The following is an entry in ClinVar:

ClinVar aggregate classification (germline): Uncertain significance. Review status: criteria provided, multiple submitters, no conflicts (2 of 4 stars). 2 submissions from 2 submitters: Uncertain significance (2). Last evaluated 2024-07-12.

Conditions:
Cardiovascular phenotype. Identifiers: MedGen CN230736.

Allele frequency attached by ClinVar (database versions not stated): gnomAD 0.00001; TOPMed 0.00001.
gnomAD v4.1: 3 of 1,549,372 alleles (0.00019%); highest among the groups gnomAD compares: African/African-American, 0.0041%; no homozygotes.

Submissions (2):

Labcorp Genetics (formerly Invitae), Labcorp
Classification: Uncertain significance. Last evaluated: 2024-07-12. Review status: criteria provided, single submitter. Criteria: Invitae Variant Classification Sherloc (09022015). Collection method: clinical testing. Allele origin: germline.
Comment: This sequence change replaces threonine, which is neutral and polar, with proline, which is neutral and non-polar, at codon 575 of the ZNF469 protein (p.Thr575Pro). This variant is present in population databases (no rsID available, gnomAD 0.01%). This variant has not been reported in the literature in individuals affected with ZNF469-related conditions. ClinVar contains an entry for this variant (Variation ID: 2624535). An algorithm developed to predict the effect of missense changes on protein structure and function outputs the following: PolyPhen-2: "Benign". The proline amino acid residue is found in multiple mammalian species, which suggests that this missense change does not adversely affect protein function. In summary, the available evidence is currently insufficient to determine the role of this variant in disease. Therefore, it has been classified as a Variant of Uncertain Significance.

Ambry Genetics
Classification: Uncertain significance for Cardiovascular phenotype. Last evaluated: 2023-06-19. Review status: criteria provided, single submitter. Criteria: Ambry Variant Classification Scheme 2023. Collection method: clinical testing. Allele origin: germline.
Comment: The p.T575P variant (also known as c.1723A>C), located in coding exon 1 of the ZNF469 gene, results from an A to C substitution at nucleotide position 1723. The threonine at codon 575 is replaced by proline, an amino acid with highly similar properties. This amino acid position is conserved. In addition, this alteration is predicted to be tolerated by in silico analysis. Since supporting evidence is limited at this time, the clinical significance of this alteration remains unclear.

NM_001367624.2(ZNF469):c.1723A>C (p.Thr575Pro)

Gene: ZNF469 (zinc finger protein 469; plus strand). Cytogenetic location: 16q24.2.
Variant type: single nucleotide variant.
Coding change: c.1723A>C on transcript NM_001367624.2 (MANE Select); coding-DNA position 1723, A replaced by C.
Protein change: p.Thr575Pro; replaces threonine 575 with proline.
Molecular consequence: missense variant.
Genome position (GRCh38, 1-based): chr16:88,429,193, A>C. VCF-style: chr16-88429193-A-C. GRCh37 (hg19) VCF-style: chr16-88495601-A-C.
Other names: NM_001127464.1:c.1723A>C; short protein forms T575P.
Identifiers: ClinVar variation 2624535 (VCV002624535.4), dbSNP rs1196576225, ClinGen allele CA397068252.